The following is an entry in ClinVar:

NM_001130987.2(DYSF):c.2370_2380del (p.Glu791fs)

Gene: DYSF (dysferlin; plus strand). Cytogenetic location: 2p13.2.
Variant type: Deletion.
Coding change: c.2370_2380del on transcript NM_001130987.2 (MANE Select); coding-DNA positions 2370 to 2380, 11 bases deleted (GGAGGACTGGC).
Protein change: p.Glu791fs; shifts the reading frame from glutamic acid 791.
Molecular consequence: frameshift variant.
Genome position (GRCh38, 1-based): chr2:71,561,905-71,561,915, GGAGGACTGGC deleted; deleting any 11 consecutive bases within chr2:71,561,902-71,561,915 gives the same sequence; the c. name uses the placement nearest the transcript's 3' end. VCF-style (leftmost placement, unchanged base first): chr2-71561901-AGGCGGAGGACT-A. GRCh37 (hg19) VCF-style: chr2-71789031-AGGCGGAGGACT-A.
Other names: c.2319_2329del, p.Glu774fs (NM_001130455.2, NM_001130983.2); c.2274_2284del, p.Glu759fs (NM_001130976.2, NM_001130977.2); c.2316_2326del, p.Glu773fs (NM_001130978.2, NM_003494.4); c.2409_2419del, p.Glu804fs (NM_001130979.2); c.2367_2377del, p.Glu790fs (NM_001130980.2, NM_001130981.2); c.2412_2422del, p.Glu805fs (NM_001130982.2); c.2277_2287del, p.Glu760fs (NM_001130984.2, NM_001130986.2); c.2370_2380del, p.Glu791fs (NM_001130985.2); short protein forms E759fs, E760fs, E773fs, E774fs, E790fs, E791fs, E804fs, E805fs.
Identifiers: ClinVar variation 5015107 (VCV005015107.1).

ClinVar aggregate classification (germline): Pathogenic (1 of 4 stars; one submission).

Conditions:
Autosomal recessive limb-girdle muscular dystrophy. Identifiers: Orphanet 102015, MedGen C2931907, MONDO:0015152.

Submission:

Myriad Genetics, Inc.
Classification: Pathogenic for Autosomal recessive limb-girdle muscular dystrophy. Last evaluated: 2025-10-18. Review status: criteria provided, single submitter. Criteria: Myriad Autosomal Dominant, Autosomal Recessive and X-Linked Classification Criteria (2023). Collection method: clinical testing. Allele origin: unknown.
Comment: NM_003494.3(DYSF):c.2316_2326del11(E773Pfs*88) is expected to be pathogenic in the context of dysferlinopathy. This variant is predicted to lead to an abnormal or absent protein product due to the creation of a premature termination codon in DYSF, a gene where loss-of-function variants are known to be pathogenic. Please note: this variant was assessed in the context of healthy population screening.